The following is an entry in ClinVar:

NM_001130987.2(DYSF):c.4528G>A (p.Glu1510Lys)

Gene: DYSF (dysferlin; plus strand). Cytogenetic location: 2p13.2.
Variant type: single nucleotide variant.
Coding change: c.4528G>A on transcript NM_001130987.2 (MANE Select); coding-DNA position 4528, G replaced by A.
Protein change: p.Glu1510Lys; replaces glutamic acid 1510 with lysine.
Molecular consequence: missense variant.
Genome position (GRCh38, 1-based): chr2:71,643,965, G>A. VCF-style: chr2-71643965-G-A. GRCh37 (hg19) VCF-style: chr2-71871095-G-A.
Other names: c.4462G>A, p.Glu1488Lys (NM_001130980.2); c.4525G>A, p.Glu1509Lys (NM_001130981.2); c.4507G>A, p.Glu1503Lys (NM_001130982.2); c.4477G>A, p.Glu1493Lys (NM_001130983.2); c.4411G>A, p.Glu1471Lys (NM_003494.4); c.4435G>A, p.Glu1479Lys (NM_001130984.2); c.4465G>A, p.Glu1489Lys (NM_001130985.2); c.4372G>A, p.Glu1458Lys (NM_001130986.2); and 5 more; short protein forms E1471K, E1510K, E1488K, E1457K, E1458K, E1472K, E1478K, E1479K.
Identifiers: ClinVar variation 568967 (VCV000568967.8), dbSNP rs562261472, ClinGen allele CA1707048.

ClinVar aggregate classification (germline): Uncertain significance. Review status: criteria provided, multiple submitters, no conflicts (2 of 4 stars). 4 submissions from 4 submitters: Uncertain significance (3). 1 of the submissions does not count toward it. Last evaluated 2024-10-28.

Conditions:
Neuromuscular disease caused by qualitative or quantitative defects of dysferlin. Also called: Qualitative or quantitative defects of dysferlin; Dysferlinopathy. Identifiers: Orphanet 207073, MedGen C2931687, MONDO:0016145.
Autosomal recessive limb-girdle muscular dystrophy type 2B (LGMDR2). Also called: Limb-girdle muscular dystrophy, type 2B; Limb-Girdle Muscular Dystrophy Type 2B (LGMD2B); MUSCULAR DYSTROPHY, LIMB-GIRDLE, TYPE 3; MUSCULAR DYSTROPHY, LIMB-GIRDLE, AUTOSOMAL RECESSIVE 2. Identifiers: Orphanet 268, MedGen C1850889, MONDO:0009676, OMIM 253601.

Allele frequency attached by ClinVar (database versions not stated): gnomAD below 0.00001 and 0.00005; TOPMed below 0.00001; gnomAD exomes 0.00009 and 0.00013; ExAC 0.00032; 1000 Genomes Project 30x 0.00062; 1000 Genomes Project 0.00080.
gnomAD v4.1: 138 of 1,607,932 alleles (0.0086%); highest among the groups gnomAD compares: South Asian, 0.14%; 3 homozygotes.

Submissions (4):

Revvity Omics, Revvity
Classification: Uncertain significance. Last evaluated: 2024-10-28. Review status: criteria provided, single submitter. Criteria: ACMG Guidelines, 2015. Collection method: clinical testing. Allele origin: germline.

Labcorp Genetics (formerly Invitae), Labcorp
Classification: Uncertain significance for Neuromuscular disease caused by qualitative or quantitative defects of dysferlin. Last evaluated: 2022-08-15. Review status: criteria provided, single submitter. Criteria: Invitae Variant Classification Sherloc (09022015). Collection method: clinical testing. Allele origin: germline.
Comment: This sequence change replaces glutamic acid, which is acidic and polar, with lysine, which is basic and polar, at codon 1471 of the DYSF protein (p.Glu1471Lys). This variant is present in population databases (rs562261472, gnomAD 0.1%). This variant has not been reported in the literature in individuals affected with DYSF-related conditions. ClinVar contains an entry for this variant (Variation ID: 568967). Algorithms developed to predict the effect of missense changes on protein structure and function are either unavailable or do not agree on the potential impact of this missense change (SIFT: "Deleterious"; PolyPhen-2: "Possibly Damaging"; Align-GVGD: "Class C0"). Algorithms developed to predict the effect of sequence changes on RNA splicing suggest that this variant may create or strengthen a splice site. In summary, the available evidence is currently insufficient to determine the role of this variant in disease. Therefore, it has been classified as a Variant of Uncertain Significance.

Breakthrough Genomics
Classification: Uncertain significance. Review status: criteria provided, single submitter. Criteria: ACMG Guidelines, 2015. Collection method: not provided. Allele origin: germline. Inheritance: Autosomal recessive inheritance. Affected: yes.

Natera, Inc.
Classification: Uncertain significance for Limb-girdle muscular dystrophy type 2B. Last evaluated: 2019-10-28. Review status: no assertion criteria provided. Collection method: clinical testing. Allele origin: germline. Not counted in ClinVar's aggregate classification.